The following is an entry in ClinVar:

ClinVar aggregate classification (germline): Uncertain significance. Review status: criteria provided, multiple submitters, no conflicts (2 of 4 stars). 2 submissions from 2 submitters: Uncertain significance (2). Last evaluated 2023-12-22.

Conditions:
RYR1-related disorder. Also called: RYR1-related condition; RYR1-related disorders. Identifiers: MedGen CN239331.
Inborn genetic diseases. Identifiers: MedGen C0950123, MeSH D030342.

Allele frequency attached by ClinVar (database versions not stated): gnomAD exomes below 0.00001; gnomAD 0.00001; TOPMed 0.00002.
gnomAD v4.1: 7 of 1,614,008 alleles (0.00043%); highest among the groups gnomAD compares: African/African-American, 0.008%; no homozygotes.

Submissions (2):

Ambry Genetics
Classification: Uncertain significance for Inborn genetic diseases. Last evaluated: 2023-12-22. Review status: criteria provided, single submitter. Criteria: Ambry Variant Classification Scheme 2023. Collection method: clinical testing. Allele origin: germline.

Labcorp Genetics (formerly Invitae), Labcorp
Classification: Uncertain significance for RYR1-related disorder. Last evaluated: 2023-01-14. Review status: criteria provided, single submitter. Criteria: Invitae Variant Classification Sherloc (09022015). Collection method: clinical testing. Allele origin: germline.
Comment: In summary, the available evidence is currently insufficient to determine the role of this variant in disease. Therefore, it has been classified as a Variant of Uncertain Significance. Advanced modeling of protein sequence and biophysical properties (such as structural, functional, and spatial information, amino acid conservation, physicochemical variation, residue mobility, and thermodynamic stability) has been performed at Invitae for this missense variant, however the output from this modeling did not meet the statistical confidence thresholds required to predict the impact of this variant on RYR1 protein function. This variant has not been reported in the literature in individuals affected with RYR1-related conditions. This variant is present in population databases (no rsID available, gnomAD 0.004%). This sequence change replaces glycine, which is neutral and non-polar, with aspartic acid, which is acidic and polar, at codon 794 of the RYR1 protein (p.Gly794Asp).

NM_000540.3(RYR1):c.2381G>A (p.Gly794Asp)

Gene: RYR1 (ryanodine receptor 1; plus strand). Cytogenetic location: 19q13.2.
Variant type: single nucleotide variant.
Coding change: c.2381G>A on transcript NM_000540.3 (MANE Select); coding-DNA position 2381, G replaced by A.
Protein change: p.Gly794Asp; replaces glycine 794 with aspartic acid.
Molecular consequence: missense variant.
Genome position (GRCh38, 1-based): chr19:38,460,395, G>A. VCF-style: chr19-38460395-G-A. GRCh37 (hg19) VCF-style: chr19-38951035-G-A.
Other names: c.2381G>A, p.Gly794Asp (NM_001042723.2); short protein forms G794D.
Identifiers: ClinVar variation 2997416 (VCV002997416.4), dbSNP rs1281686397, ClinGen allele CA405628586.